The following is an entry in ClinVar:

NM_007294.4(BRCA1):c.3888TTC[1] (p.Ser1298del)

Genes: BRCA1 (BRCA1 DNA repair associated; minus strand), LOC126862571 (BRD4-independent group 4 enhancer GRCh37_chr17:41243136-41244335; plus strand). Cytogenetic location: 17q21.31.
Variant type: Microsatellite.
Coding change: c.3888TTC[1] on transcript NM_007294.4 (MANE Select); one copy of the 3-base unit TTC starting at c.3888; the reference has two copies in a row; one copy, 3 bases deleted; also written c.3891_3893del.
Protein change: p.Ser1298del; deletes serine 1298.
Molecular consequence: inframe deletion. On other transcripts: inframe indel (2), intron variant (135).
Genome position (GRCh38, 1-based): chr17:43,091,638-43,091,640, GAA deleted on the plus strand (TTC on the coding strand, the reverse complement: BRCA1 is on the minus strand); deleting any 3 consecutive bases within chr17:43,091,638-43,091,643 gives the same sequence; the position shown is the placement nearest the transcript's 3' end. VCF-style (leftmost placement, unchanged base first): chr17-43091637-TGAA-T. GRCh37 (hg19) VCF-style: chr17-41243654-TGAA-T.
Other names: S1297del; c.3891_3893del (NM_007294.3, NM_007294.4); c.3891_3893delTTC (NM_007294.3); c.3747TTC[1], p.Ser1251del (NM_001407695.1, NM_001407696.1, NM_001407697.1 and 29 more transcripts); c.3744TTC[1], p.Ser1250del (NM_001407740.1, NM_001407741.1, NM_001407742.1 and 20 more transcripts); c.3885TTC[1], p.Ser1297del (NM_001407861.1, NM_001407587.1, NM_001407590.1 and 22 more transcripts); c.3687TTC[1], p.Ser1231del (NM_001407862.1); c.3765TTC[1], p.Ser1257del (NM_001407863.1, NM_001407674.1, NM_001407675.1 and 19 more transcripts); and 44 more; short protein forms S1298del, S1251del, S1130del, S1187del, S1250del, S1002del, S1171del, S1186del.
Identifiers: ClinVar variation 55038 (VCV000055038.48), dbSNP rs80358339, ClinGen allele CA002503.

ClinVar aggregate classification (germline): Uncertain significance. Review status: criteria provided, multiple submitters, no conflicts (2 of 4 stars). 10 submissions from 10 submitters: Uncertain significance (5). 5 of the submissions do not count toward it. Last evaluated 2025-11-11.

Conditions:
Hereditary cancer-predisposing syndrome. Also called: Hereditary Cancer Syndrome; Tumor predisposition; Neoplastic Syndromes, Hereditary; Hereditary neoplastic syndrome. Identifiers: Orphanet 140162, MedGen C0027672, MeSH D009386, MONDO:0015356.
Hereditary breast ovarian cancer syndrome. Also called: Breast and ovarian cancer; BRCA1- and BRCA2-Associated Hereditary Breast and Ovarian Cancer; Hereditary breast and ovarian cancer; Hereditary breast and ovarian cancer syndrome (HBOC); Hereditary breast and ovarian cancer syndrome; Hereditary breast and/or ovarian cancer syndrome. Identifiers: Orphanet 145, MedGen C0677776, MeSH D061325, MONDO:0003582. Disease mechanism: loss of function.
Breast-ovarian cancer, familial, susceptibility to, 1 (BROVCA1). Also called: BRCA1 Hereditary Breast and Ovarian Cancer; OVARIAN CANCER, SUSCEPTIBILITY TO. Identifiers: Orphanet 145, MedGen C2676676, MONDO:0011450, OMIM 604370. Disease mechanism: loss of function.

Submissions (10):

Labcorp Genetics (formerly Invitae), Labcorp
Classification: Uncertain significance for Hereditary breast ovarian cancer syndrome. Last evaluated: 2025-11-11. Review status: criteria provided, single submitter. Criteria: Invitae Variant Classification Sherloc (09022015). Collection method: clinical testing. Allele origin: germline.
Comment: This variant, c.3891_3893del, results in the deletion of 1 amino acid(s) of the BRCA1 protein (p.Ser1298del), but otherwise preserves the integrity of the reading frame. This variant is present in population databases (rs80358339, gnomAD 0.004%). This variant has been observed in individual(s) with breast and ovarian cancer (PMID: 18273839, 28283652). This variant is also known as 4010delTTC, S1297del. ClinVar contains an entry for this variant (Variation ID: 55038). Algorithms developed to predict the effect of variants on gene product structure and function are not available or were not evaluated for this variant. Experimental studies are conflicting or provide insufficient evidence to determine the effect of this variant on BRCA1 function (PMID: 23867111). In summary, the available evidence is currently insufficient to determine the role of this variant in disease. Therefore, it has been classified as a Variant of Uncertain Significance.

Ambry Genetics
Classification: Uncertain significance for Hereditary cancer-predisposing syndrome. Last evaluated: 2025-10-21. Review status: criteria provided, single submitter. Criteria: Ambry Variant Classification Scheme 2023. Collection method: clinical testing. Allele origin: germline.
Comment: The c.3891_3893delTTC variant (also known as p.S1298del) is located in coding exon 9 of the BRCA1 gene. This variant results from an in-frame TTC deletion at nucleotide positions 3891 to 3893. This results in the in-frame deletion of a serine at codon 1298. This variant was detected in an individual with a personal and/or family history of breast and/or ovarian cancer (van der Hout AH et al. Hum Mutat, 2006 Jul;27:654-66). This variant was classified as neutral based on a cisplatin sensitivity assay (Bouwman P et al. Cancer Discov, 2013 Oct;3:1142-55). This amino acid position is highly conserved in available vertebrate species. Since supporting evidence is limited at this time, the clinical significance of this alteration remains unclear.

Color Diagnostics, LLC DBA Color Health
Classification: Uncertain significance for Hereditary cancer-predisposing syndrome. Last evaluated: 2025-06-30. Review status: criteria provided, single submitter. Criteria: ACMG Guidelines, 2015. Collection method: clinical testing. Allele origin: germline.
Comment: This variant causes an in-frame deletion of one amino acid of the BRCA1 protein. A functional study has shown that this mutant protein has a neutral effect in a cisplatin sensitivity assay, and the ability to support growth similar to wild type controls in BRCA1-deficient mouse embryonic stem cells (PMID: 23867111). This variant has been reported in individuals and families affected with breast and/or ovarian cancer (PMID: 18273839, 34597585). This variant has been identified in 4/251174 chromosomes in the general population by the Genome Aggregation Database (gnomAD). The available evidence is insufficient to determine the role of this variant in disease conclusively. Therefore, this variant is classified as a Variant of Uncertain Significance.

CeGaT Center for Human Genetics Tuebingen
Classification: Uncertain significance. Last evaluated: 2023-11-01. Review status: criteria provided, single submitter. Criteria: CeGaT Center For Human Genetics Tuebingen Variant Classification Criteria Version 2. Collection method: clinical testing. Allele origin: germline. Affected: yes. Observed: 1 variant allele.
Comment: BRCA1: PS4:Moderate, PM2:Supporting, PM4:Supporting, BP1, BP5

GeneDx
Classification: Uncertain significance. Last evaluated: 2021-05-06. Review status: criteria provided, single submitter. Criteria: GeneDx Variant Classification Process June 2021. Collection method: clinical testing. Allele origin: germline. Affected: yes.
Comment: Not observed at a significant frequency in large population cohorts (Lek 2016); In-frame deletion of 1 amino acid in a non-repeat region; In silico analysis, which includes protein predictors and evolutionary conservation, supports a deleterious effect; Located in the critical SCD domain (Narod 2004, Clark 2012); Also known as 4010delTTC, S1297del, and 4010del3; Published functional studies demonstrate no damaging effect: insensitivity to cisplatin and ability to support growth similar to controls in BRCA1-deficient mouse embryonic stem cells (Bouwman 2013); This variant is associated with the following publications: (PMID: 18403564, 23893897, 21305653, 18273839, 28283652, 16721040, 31131967, 23867111)

Breast Cancer Information Core (BIC) (BRCA1)
Classification: Uncertain significance for Breast-ovarian cancer, familial 1. Last evaluated: 2004-02-20. Review status: no assertion criteria provided. Collection method: clinical testing. Allele origin: germline. Affected: yes. Observed: 2 variant alleles. Not counted in ClinVar's aggregate classification.

Clinical Genetics DNA and cytogenetics Diagnostics Lab, Erasmus MC, Erasmus Medical Center
Classification: Uncertain significance. Review status: no assertion criteria provided. Collection method: clinical testing. Allele origin: germline. Affected: yes. Study: VKGL Data-share Consensus. Not counted in ClinVar's aggregate classification.

Diagnostic Laboratory, Department of Genetics, University Medical Center Groningen
Classification: Uncertain significance. Review status: no assertion criteria provided. Collection method: clinical testing. Allele origin: germline. Affected: yes. Study: VKGL Data-share Consensus. Not counted in ClinVar's aggregate classification.

Genome Diagnostics Laboratory, University Medical Center Utrecht
Classification: Uncertain significance. Review status: no assertion criteria provided. Collection method: clinical testing. Allele origin: germline. Affected: yes. Study: VKGL Data-share Consensus. Not counted in ClinVar's aggregate classification.

Laboratory of Diagnostic Genome Analysis, Leiden University Medical Center (LUMC)
Classification: Uncertain significance. Review status: no assertion criteria provided. Collection method: clinical testing. Allele origin: germline. Affected: yes. Study: VKGL Data-share Consensus. Not counted in ClinVar's aggregate classification.

Literature cited by the submitters: PubMed 18273839 (cited by Labcorp Genetics (formerly Invitae), Labcorp and Color Diagnostics, LLC DBA Color Health); PubMed 28283652 (cited by Labcorp Genetics (formerly Invitae), Labcorp); PubMed 23867111 (cited by 3 submitters); PubMed 16683254 (cited by Ambry Genetics); PubMed 34597585 (cited by Color Diagnostics, LLC DBA Color Health).